The following is an entry in ClinVar:

NM_003482.4(KMT2D):c.9436G>A (p.Ala3146Thr)

Gene: KMT2D (lysine methyltransferase 2D; minus strand). Cytogenetic location: 12q13.12.
Variant type: single nucleotide variant.
Coding change: c.9436G>A on transcript NM_003482.4 (MANE Select); coding-DNA position 9436, G replaced by A.
Protein change: p.Ala3146Thr; replaces alanine 3146 with threonine.
Molecular consequence: missense variant.
Genome position (GRCh38, 1-based): chr12:49,037,920, C>T on the plus strand (G>A on the coding strand, the complement: KMT2D is on the minus strand). VCF-style: chr12-49037920-C-T. GRCh37 (hg19) VCF-style: chr12-49431703-C-T.
Other names: short protein forms A3146T.
Identifiers: ClinVar variation 463024 (VCV000463024.8), dbSNP rs1555190522, ClinGen allele CA384737962.
Genomic context (GRCh38, chr12:49,037,920, plus strand): 5'-TATCCCGGCTGCCCATCATGCTCTGTCCTGGCTTTAGCCCCAGGCCAAGGGAATTGGCAG[C>T]AGGTGCGGGCTCTACCTTGGGGGTAGCAATGGTGAATTGGCAAGGAGAAGGGTGGCGTCC-3'
Protein context (NP_003473.3, residues 3136-3156): IATPKVEPAP[Ala3146Thr]ANSLGLGLKP

ClinVar aggregate classification (germline): Uncertain significance (1 of 4 stars; one submission).

Conditions:
Kabuki syndrome. Also called: Kabuki make-up syndrome; NIIKAWA-KUROKI SYNDROME. Identifiers: Orphanet 2322, MedGen C0796004, MONDO:0016512.

Submission:

Labcorp Genetics (formerly Invitae), Labcorp
Classification: Uncertain significance for Kabuki syndrome. Last evaluated: 2016-11-17. Review status: criteria provided, single submitter. Criteria: Invitae Variant Classification Sherloc (09022015). Collection method: clinical testing. Allele origin: germline.
Comment: This variant is not present in population databases (ExAC no frequency) and has not been reported in the literature in individuals with a KMT2D-related disease. This sequence change replaces alanine with threonine at codon 3146 of the KMT2D protein (p.Ala3146Thr). The alanine residue is weakly conserved and there is a small physicochemical difference between alanine and threonine. Algorithms developed to predict the effect of missense changes on protein structure and function (SIFT, PolyPhen-2, Align-GVGD) all suggest that this variant is likely to be tolerated, but these predictions have not been confirmed by published functional studies. In summary, this variant is an novel missense change that is not predicted to affect protein function. There is no indication that it causes disease, but the available evidence is currently insufficient to prove that conclusively. Therefore, it has been classified as a Variant of Uncertain Significance.